The following is an entry in ClinVar:

NR_046473.1(MEG3):n.3629G>A

Gene: MEG3 (maternally expressed 3; plus strand). Cytogenetic location: 14q32.2.
Variant type: single nucleotide variant.
Molecular consequence: non-coding transcript variant (on NR_046473.1).
Genome position: GRCh38 VCF-style: chr14-100848245-G-A. GRCh37 (hg19) VCF-style: chr14-101314582-G-A.
Identifiers: ClinVar variation 3053362 (VCV003053362.2), dbSNP rs144697972, ClinGen allele CA266869121.

ClinVar aggregate classification (germline): Likely benign (0 of 4 stars; one submission).

Conditions:
MEG3-related disorder. Also called: MEG3-related condition.

Allele frequency attached by ClinVar (database versions not stated): gnomAD 0.00208; TOPMed 0.00211; 1000 Genomes Project 0.00280; 1000 Genomes Project 30x 0.00281.

Submission:

PreventionGenetics, part of Exact Sciences
Classification: Likely benign for MEG3-related condition. Last evaluated: 2022-06-27. Review status: no assertion criteria provided. Collection method: clinical testing. Allele origin: germline.
Comment: This variant is classified as likely benign based on ACMG/AMP sequence variant interpretation guidelines (Richards et al. 2015 PMID: 25741868, with internal and published modifications).